The following is an entry in ClinVar:

NM_005559.4(LAMA1):c.2490-11C>G

Gene: LAMA1 (laminin subunit alpha 1; minus strand). Cytogenetic location: 18p11.31.
Variant type: single nucleotide variant.
Coding change: c.2490-11C>G on transcript NM_005559.4 (MANE Select); 11 bases into the intron before coding-DNA position 2490, C replaced by G.
Molecular consequence: intron variant.
Genome position (GRCh38, 1-based): chr18:7,023,386, G>C on the plus strand (C>G on the coding strand, the complement: LAMA1 is on the minus strand). VCF-style: chr18-7023386-G-C. GRCh37 (hg19) VCF-style: chr18-7023385-G-C.
Identifiers: ClinVar variation 3768717 (VCV003768717.1).
Genomic context (GRCh38, chr18:7,023,386, plus strand): 5'-CACAAGATTCGCCAGGCACTGTTGGGTTTCCATAGTAACCATCTGCACATCTGTATCAAA[G>C]ATTGAAAGTGGGATCAGACAAATGCAGTTACTTAAGGCCTTACCGCACTATCCAGGGACT-3'

ClinVar aggregate classification (germline): Likely benign (1 of 4 stars; one submission).

gnomAD v4.1: 1 of 1,611,340 alleles (0.000062%); highest among the groups gnomAD compares: South Asian, 0.0011%; no homozygotes.

Submission:

Women's Health and Genetics/Laboratory Corporation of America, LabCorp
Classification: Likely benign. Last evaluated: 2025-02-06. Review status: criteria provided, single submitter. Criteria: LabCorp Variant Classification Summary - May 2015. Collection method: clinical testing. Allele origin: germline.
Comment: Variant summary: LAMA1 c.2490-11C>G alters a non-conserved nucleotide located at a position not widely known to affect splicing. Consensus agreement among computation tools predict no significant impact on normal splicing. However, these predictions have yet to be confirmed by functional studies. The variant allele was found at a frequency of 4e-06 in 250966 control chromosomes (gnomAD). The available data on variant occurrences in the general population are insufficient to allow any conclusion about variant significance. To our knowledge, no occurrence of c.2490-11C>G in individuals affected with Ataxia-Intellectual Disability-Oculomotor Apraxia-Cerebellar Cysts Syndrome and no experimental evidence demonstrating its impact on protein function have been reported. No submitters have cited clinical-significance assessments for this variant to ClinVar. Based on the evidence outlined above, the variant was classified as likely benign.